The following is an entry in ClinVar:

NM_003072.5(SMARCA4):c.4468_4485del (p.Ser1490_Pro1495del)

Gene: SMARCA4 (SWI/SNF related BAF chromatin remodeling complex subunit ATPase 4; plus strand). Cytogenetic location: 19p13.2.
Variant type: Deletion.
Coding change: c.4468_4485del on transcript NM_003072.5 (MANE Select); coding-DNA positions 4468 to 4485, 18 bases deleted (TCGCGAAAGGAGCTGCCC).
Protein change: p.Ser1490_Pro1495del.
Molecular consequence: inframe deletion. On other transcripts: non-coding transcript variant (1).
Genome position (GRCh38, 1-based): chr19:11,058,298-11,058,315, TCGCGAAAGGAGCTGCCC deleted; deleting any 18 consecutive bases within chr19:11,058,290-11,058,315 gives the same sequence; the c. name uses the placement nearest the transcript's 3' end. VCF-style (leftmost placement, unchanged base first): chr19-11058289-CAGCTGCCCTCGCGAAAGG-C. GRCh37 (hg19) VCF-style: chr19-11168965-CAGCTGCCCTCGCGAAAGG-C.
Other names: c.4468_4485del, p.Ser1490_Pro1495del (NM_001128844.3); c.4378_4395del, p.Ser1460_Pro1465del (NM_001128845.2); c.4375_4392del, p.Ser1459_Pro1464del (NM_001128846.2); c.4369_4386del, p.Ser1457_Pro1462del (NM_001128847.4, NM_001374457.1); c.4366_4383del, p.Ser1456_Pro1461del (NM_001128848.2); c.4564_4581del, p.Ser1522_Pro1527del (NM_001128849.3, NM_001387283.1).
Identifiers: ClinVar variation 1037493 (VCV001037493.8), dbSNP rs2076661206, ClinGen allele CA2322743750.

ClinVar aggregate classification (germline): Uncertain significance (1 of 4 stars; one submission).

Conditions:
Rhabdoid tumor predisposition syndrome 2 (RTPS2). Identifiers: Orphanet 231108, Orphanet 69077, MedGen C2750074, MONDO:0013224, OMIM 613325.

Submission:

Labcorp Genetics (formerly Invitae), Labcorp
Classification: Uncertain significance for Rhabdoid tumor predisposition syndrome 2. Last evaluated: 2025-06-29. Review status: criteria provided, single submitter. Criteria: Invitae Variant Classification Sherloc (09022015). Collection method: clinical testing. Allele origin: germline.
Comment: This variant, c.4564_4581del, results in the deletion of 6 amino acid(s) of the SMARCA4 protein (p.Ser1522_Pro1527del), but otherwise preserves the integrity of the reading frame. This variant is not present in population databases (gnomAD no frequency). This variant has not been reported in the literature in individuals affected with SMARCA4-related conditions. ClinVar contains an entry for this variant (Variation ID: 1037493). Experimental studies and prediction algorithms are not available or were not evaluated, and the functional significance of this variant is currently unknown. In summary, the available evidence is currently insufficient to determine the role of this variant in disease. Therefore, it has been classified as a Variant of Uncertain Significance.